The following is an entry in ClinVar:

ClinVar aggregate classification (germline): Conflicting classifications of pathogenicity. Review status: criteria provided, conflicting classifications (1 of 4 stars). 10 submissions from 9 submitters: Uncertain significance (8); Benign (1); Likely benign (1). Last evaluated 2025-10-08.

Conditions:
Connective tissue disorder. Also called: Connective tissue disease. Identifiers: MedGen C0009782, MONDO:0003900.
Aortic valve disease 1 (AOVD1). Identifiers: MedGen C3887892, MONDO:0024523, OMIM 109730.
Adams-Oliver syndrome 5 (AOS5). Identifiers: Orphanet 974, MedGen C4014970, MONDO:0014459, OMIM 616028.
Familial thoracic aortic aneurysm and aortic dissection (TAAD). Also called: Thoracic aortic aneurysms and dissections. Identifiers: Orphanet 91387, MedGen C4707243, MONDO:0019625.

Allele frequency attached by ClinVar (database versions not stated): ExAC 0.00001; gnomAD exomes 0.00001 and 0.00003; TOPMed 0.00001; gnomAD 0.00003.
gnomAD v4.1: 59 of 1,609,204 alleles (0.0037%); highest among the groups gnomAD compares: African/African-American, 0.013%; no homozygotes.

Submissions (10):

Women's Health and Genetics/Laboratory Corporation of America, LabCorp
Classification: Likely benign. Last evaluated: 2025-10-08. Review status: criteria provided, single submitter. Criteria: LabCorp Variant Classification Summary - May 2015. Collection method: clinical testing. Allele origin: germline.
Comment: Variant summary: NOTCH1 c.3664G>A (p.Val1222Met) results in a conservative amino acid change in the encoded protein sequence. Algorithms developed to predict the effect of missense changes on protein structure and function are either unavailable or do not agree on the potential impact of this missense change. The variant allele was found at a frequency of 1.3e-05 in 235592 control chromosomes (gnomAD v2). A total of 59 heterozygotes was also reported in gnomAD v4. To our knowledge, no occurrence of c.3664G>A in individuals affected with NOTCH1-related conditions and no experimental evidence demonstrating its impact on protein function have been reported. ClinVar contains an entry for this variant (Variation ID: 477917). Based on the evidence outlined above, the variant was classified as likely benign.

Ambry Genetics
Classification: Uncertain significance for Familial thoracic aortic aneurysm and aortic dissection. Last evaluated: 2025-07-31. Review status: criteria provided, single submitter. Criteria: Ambry Variant Classification Scheme 2023. Collection method: clinical testing. Allele origin: germline.
Comment: The p.V1222M variant (also known as c.3664G>A), located in coding exon 23 of the NOTCH1 gene, results from a G to A substitution at nucleotide position 3664. The valine at codon 1222 is replaced by methionine, an amino acid with highly similar properties. This amino acid position is not well conserved in available vertebrate species. In addition, this alteration is predicted to be tolerated by in silico analysis. Based on the available evidence, the clinical significance of this variant remains unclear.

Labcorp Genetics (formerly Invitae), Labcorp
Classification: Benign for Adams-Oliver syndrome 5. Last evaluated: 2025-07-28. Review status: criteria provided, single submitter. Criteria: Invitae Variant Classification Sherloc (09022015). Collection method: clinical testing. Allele origin: germline.

ARUP Laboratories, Molecular Genetics and Genomics, ARUP Laboratories
Classification: Uncertain significance. Last evaluated: 2023-04-07. Review status: criteria provided, single submitter. Criteria: ARUP Molecular Germline Variant Investigation Process 2024. Collection method: clinical testing. Allele origin: germline.
Comment: The NOTCH1 c.3664G>A; p.Val1222Met variant (rs112900950), to our knowledge, is not reported in the medical literature but is reported in ClinVar (Variation ID: 477917). This variant is found in the general population with an overall allele frequency of 0.0015% (4/266960 alleles) in the Genome Aggregation Database. Computational analyses are uncertain whether this variant is neutral or deleterious (REVEL: 0.194). Due to limited information, the clinical significance of this variant is uncertain at this time.

Blueprint Genetics
Classification: Uncertain significance. Last evaluated: 2022-12-30. Review status: criteria provided, single submitter. Criteria: ACMG Guidelines, 2015. Collection method: clinical testing. Allele origin: germline.

Department of Pathology and Laboratory Medicine, Sinai Health System
Classification: Uncertain significance for Aortic valve disease 1; Adams-Oliver syndrome 5. Last evaluated: 2022-11-14. Review status: criteria provided, single submitter. Criteria: ACMG Guidelines, 2015. Collection method: research. Allele origin: germline.

Genome-Nilou Lab
Classification: Uncertain significance for Adams-Oliver syndrome 5. Last evaluated: 2022-03-15. Review status: criteria provided, single submitter. Criteria: ACMG Guidelines, 2015. Collection method: clinical testing. Allele origin: germline. Affected: no.

Genome-Nilou Lab
Classification: Uncertain significance for Aortic valve disease 1. Last evaluated: 2022-03-15. Review status: criteria provided, single submitter. Criteria: ACMG Guidelines, 2015. Collection method: clinical testing. Allele origin: germline. Affected: no.

Fulgent Genetics
Classification: Uncertain significance for Aortic valve disease 1; Adams-Oliver syndrome 5. Last evaluated: 2021-12-22. Review status: criteria provided, single submitter. Criteria: ACMG Guidelines, 2015. Collection method: clinical testing. Allele origin: unknown.

Center for Human Genetics, Inc
Classification: Uncertain significance for Connective tissue disorder. Last evaluated: 2016-11-01. Review status: criteria provided, single submitter. Criteria: ACMG Guidelines, 2015. Collection method: clinical testing. Allele origin: germline. Affected: yes.

NM_017617.5(NOTCH1):c.3664G>A (p.Val1222Met)

Gene: NOTCH1 (notch receptor 1; minus strand). Cytogenetic location: 9q34.3.
Variant type: single nucleotide variant.
Coding change: c.3664G>A on transcript NM_017617.5 (MANE Select); coding-DNA position 3664, G replaced by A.
Protein change: p.Val1222Met; replaces valine 1222 with methionine.
Molecular consequence: missense variant.
Genome position (GRCh38, 1-based): chr9:136,506,953, C>T on the plus strand (G>A on the coding strand, the complement: NOTCH1 is on the minus strand). VCF-style: chr9-136506953-C-T. GRCh37 (hg19) VCF-style: chr9-139401405-C-T.
Other names: c.3664G>A, p.Val1222Met (LRG_1122t1); short protein forms V1222M.
Identifiers: ClinVar variation 477917 (VCV000477917.14), dbSNP rs112900950, ClinGen allele CA5340831.